The following is an entry in ClinVar:

ClinVar aggregate classification (germline): Uncertain significance (1 of 4 stars; one submission).

Conditions:
Inborn genetic diseases. Identifiers: MedGen C0950123, MeSH D030342.

gnomAD v4.1: 3 of 1,612,740 alleles (0.00019%); highest among the groups gnomAD compares: Admixed American, 0.0033%; no homozygotes.

Submission:

Ambry Genetics
Classification: Uncertain significance for Inborn genetic diseases. Last evaluated: 2025-08-14. Review status: criteria provided, single submitter. Criteria: Ambry Variant Classification Scheme 2023. Collection method: clinical testing. Allele origin: germline.
Comment: The p.L142V variant (also known as c.424C>G), located in coding exon 4 of the CEP57 gene, results from a C to G substitution at nucleotide position 424. The leucine at codon 142 is replaced by valine, an amino acid with highly similar properties. This amino acid position is conserved. In addition, the in silico prediction for this alteration is inconclusive. Based on the available evidence, the clinical significance of this variant remains unclear.

NM_014679.5(CEP57):c.424C>G (p.Leu142Val)

Gene: CEP57 (centrosomal protein 57; plus strand). Cytogenetic location: 11q21.
Variant type: single nucleotide variant.
Coding change: c.424C>G on transcript NM_014679.5 (MANE Select); coding-DNA position 424, C replaced by G.
Protein change: p.Leu142Val; replaces leucine 142 with valine.
Molecular consequence: missense variant.
Genome position (GRCh38, 1-based): chr11:95,813,509, C>G. VCF-style: chr11-95813509-C-G. GRCh37 (hg19) VCF-style: chr11-95546673-C-G.
Other names: c.397C>G, p.Leu133Val (NM_001243776.2); c.424C>G, p.Leu142Val (NM_001243777.2, NM_001440871.1, NM_001440872.1 and 4 more transcripts); c.343C>G, p.Leu115Val (NM_001363604.2, NM_001440869.1, NM_001440870.1 and 3 more transcripts); c.244C>G, p.Leu82Val (NM_001440873.1, NM_001440881.1); c.163C>G, p.Leu55Val (NM_001440880.1); short protein forms L115V, L82V, L133V, L142V, L55V.
Identifiers: ClinVar variation 4226378 (VCV004226378.1).